The following is an entry in ClinVar:

ClinVar aggregate classification (germline): Uncertain significance (1 of 4 stars; one submission).

Allele frequency attached by ClinVar (database versions not stated): gnomAD exomes below 0.00001; gnomAD 0.00001.
gnomAD v4.1: 2 of 1,614,126 alleles (0.00012%); highest among the groups gnomAD compares: Admixed American, 0.0033%; no homozygotes.

Submission:

Labcorp Genetics (formerly Invitae), Labcorp
Classification: Uncertain significance. Last evaluated: 2022-09-12. Review status: criteria provided, single submitter. Criteria: Invitae Variant Classification Sherloc (09022015). Collection method: clinical testing. Allele origin: germline.
Comment: In summary, the available evidence is currently insufficient to determine the role of this variant in disease. Therefore, it has been classified as a Variant of Uncertain Significance. Advanced modeling of protein sequence and biophysical properties (such as structural, functional, and spatial information, amino acid conservation, physicochemical variation, residue mobility, and thermodynamic stability) performed at Invitae indicates that this missense variant is not expected to disrupt ALPK1 protein function. This variant has not been reported in the literature in individuals affected with ALPK1-related conditions. This variant is not present in population databases (gnomAD no frequency). This sequence change replaces isoleucine, which is neutral and non-polar, with valine, which is neutral and non-polar, at codon 412 of the ALPK1 protein (p.Ile412Val).

NM_025144.4(ALPK1):c.1234A>G (p.Ile412Val)

Gene: ALPK1 (alpha kinase 1; plus strand). Cytogenetic location: 4q25.
Variant type: single nucleotide variant.
Coding change: c.1234A>G on transcript NM_025144.4 (MANE Select); coding-DNA position 1234, A replaced by G.
Protein change: p.Ile412Val; replaces isoleucine 412 with valine.
Molecular consequence: missense variant.
Genome position (GRCh38, 1-based): chr4:112,430,781, A>G. VCF-style: chr4-112430781-A-G. GRCh37 (hg19) VCF-style: chr4-113351937-A-G.
Other names: c.1234A>G, p.Ile412Val (NM_001102406.2); c.1000A>G, p.Ile334Val (NM_001253884.2); short protein forms I334V, I412V.
Identifiers: ClinVar variation 1719282 (VCV001719282.5), dbSNP rs1301356209, ClinGen allele CA357894187.